The following is an entry in ClinVar:

NM_003289.4(TPM2):c.104G>T (p.Arg35Leu)

Gene: TPM2 (tropomyosin 2; minus strand). Cytogenetic location: 9p13.3.
Variant type: single nucleotide variant.
Coding change: c.104G>T on transcript NM_003289.4 (MANE Select); coding-DNA position 104, G replaced by T.
Protein change: p.Arg35Leu; replaces arginine 35 with leucine.
Molecular consequence: missense variant.
Genome position (GRCh38, 1-based): chr9:35,689,714, C>A on the plus strand (G>T on the coding strand, the complement: TPM2 is on the minus strand). VCF-style: chr9-35689714-C-A. GRCh37 (hg19) VCF-style: chr9-35689711-C-A.
Other names: c.104G>T, p.Arg35Leu (NM_001301226.2, NM_001301227.2, NM_213674.1); short protein forms R35L.
Identifiers: ClinVar variation 2716525 (VCV002716525.4), dbSNP rs750411907, ClinGen allele CA373369867.
Genomic context (GRCh38, chr9:35,689,714, plus strand): 5'-CCCTTGCCCTAGGCGCGGGGAGAGCAGGCTGCACTGGGCCCGGCCCTAACCTGCTTGCAG[C>A]GGTCCTCAGCTTGCTTCTTGTCGGCTTCGGCCTGCTCGGCGCGGTCGATGGCGTTCTCCT-3'
Protein context (NP_003280.2, residues 25-45): AEADKKQAED[Arg35Leu]CKQLEEEQQA

ClinVar aggregate classification (germline): Uncertain significance. Review status: criteria provided, multiple submitters, no conflicts (2 of 4 stars). 2 submissions from 2 submitters: Uncertain significance (2). Last evaluated 2024-10-30.

Conditions:
Arthrogryposis, distal, type 1A. Also called: ARTHROGRYPOSIS MULTIPLEX CONGENITA, DISTAL, TYPE I. Identifiers: Orphanet 1146, MedGen C6022280, MONDO:0007157, OMIM 108120.

Allele frequency attached by ClinVar (database versions not stated): gnomAD 0.00002.
gnomAD v4.1: 5 of 1,613,358 alleles (0.00031%); highest among the groups gnomAD compares: African/African-American, 0.0053%; no homozygotes.

Submissions (2):

Revvity Omics, Revvity
Classification: Uncertain significance. Last evaluated: 2024-10-30. Review status: criteria provided, single submitter. Criteria: ACMG Guidelines, 2015. Collection method: clinical testing. Allele origin: germline.

Labcorp Genetics (formerly Invitae), Labcorp
Classification: Uncertain significance for Arthrogryposis, distal, type 1A. Last evaluated: 2024-10-29. Review status: criteria provided, single submitter. Criteria: Invitae Variant Classification Sherloc (09022015). Collection method: clinical testing. Allele origin: germline.
Comment: This sequence change replaces arginine, which is basic and polar, with leucine, which is neutral and non-polar, at codon 35 of the TPM2 protein (p.Arg35Leu). This variant is present in population databases (no rsID available, gnomAD 0.01%). This variant has not been reported in the literature in individuals affected with TPM2-related conditions. ClinVar contains an entry for this variant (Variation ID: 2716525). An algorithm developed to predict the effect of missense changes on protein structure and function (PolyPhen-2) suggests that this variant is likely to be tolerated. In summary, the available evidence is currently insufficient to determine the role of this variant in disease. Therefore, it has been classified as a Variant of Uncertain Significance.